The following is an entry in ClinVar:

NM_000539.3(RHO):c.329G>A (p.Cys110Tyr)

Gene: RHO (rhodopsin; plus strand). Cytogenetic location: 3q22.1.
Variant type: single nucleotide variant.
Coding change: c.329G>A on transcript NM_000539.3 (MANE Select); coding-DNA position 329, G replaced by A.
Protein change: p.Cys110Tyr; replaces cysteine 110 with tyrosine.
Molecular consequence: missense variant.
Genome position (GRCh38, 1-based): chr3:129,529,062, G>A. VCF-style: chr3-129529062-G-A. GRCh37 (hg19) VCF-style: chr3-129247905-G-A.
Other names: short protein forms C110Y.
Identifiers: ClinVar variation 13035 (VCV000013035.15), dbSNP rs104893787, ClinGen allele CA256681.

ClinVar aggregate classification (germline): Pathogenic. Review status: criteria provided, multiple submitters, no conflicts (2 of 4 stars). 4 submissions from 4 submitters: Pathogenic (3). 1 of the submissions does not count toward it. Last evaluated 2021-03-24.

Conditions:
RHO-related disorder. Also called: RHO-related condition.
Retinitis pigmentosa 4 (RP4). Also called: RETINITIS PIGMENTOSA, RHODOPSIN-RELATED. Identifiers: Orphanet 791, MedGen C3151001, MONDO:0013395, OMIM 613731.

Submissions (4):

Blueprint Genetics
Classification: Pathogenic for RHO-related disorders. Last evaluated: 2021-03-24. Review status: criteria provided, single submitter. Criteria: ACMG Guidelines, 2015. Collection method: clinical testing. Allele origin: germline. Affected: yes. Observed: 5 variant alleles.

Labcorp Genetics (formerly Invitae), Labcorp
Classification: Pathogenic. Last evaluated: 2020-12-19. Review status: criteria provided, single submitter. Criteria: Invitae Variant Classification Sherloc (09022015). Collection method: clinical testing. Allele origin: germline.
Comment: This sequence change replaces cysteine with tyrosine at codon 110 of the RHO protein (p.Cys110Tyr). The cysteine residue is highly conserved and there is a large physicochemical difference between cysteine and tyrosine. This variant is not present in population databases (ExAC no frequency). This variant has been observed to segregate with autosomal dominant retinitis pigmentosa in families (PMID: 8088850, 9810568). ClinVar contains an entry for this variant (Variation ID: 13035). This variant has been reported to affect RHO protein function (PMID: 19913029, 30240733). For these reasons, this variant has been classified as Pathogenic.

GeneDx
Classification: Pathogenic. Last evaluated: 2020-03-31. Review status: criteria provided, single submitter. Criteria: GeneDx Variant Classification Process June 2021. Collection method: clinical testing. Allele origin: germline. Affected: yes.
Comment: Published functional studies demonstrate a damaging effect with disruption of disulfide bonds resulting in severe protein misfolding and inability to bind 11-cis retinal and form mature rhodopsin (Krebs et al., 2010; Behnen et al., 2018); Identified in individuals with autosomal dominant retinitis pigmentosa referred for genetic testing at GeneDx and in published literature (Dryja et al., 1992; Vaithinathan et al., 1994; Milla et al., 1998); Categorized as a Class 2 RHO variant, characterized by misfolding, ER retention, and instability, in published literature (Athanasiou et al., 2018); Not observed in large population cohorts (Lek et al., 2016); In silico analysis supports that this missense variant has a deleterious effect on protein structure/function; Missense variants at the same residue and in nearby residues reported in the Human Gene Mutation Database in individuals with retinitis pigmentosa (Stenson et al., 2014); This variant is associated with the following publications: (PMID: 33576794, 30977563, 29042326, 8088850, 8401533, 9810568, 10051572, 19136713, 30240733, 19913029, 21094163, 16332273, 29773803, 1358680)

OMIM
Classification: Pathogenic for RETINITIS PIGMENTOSA 4. Last evaluated: 1994-05-15. Review status: no assertion criteria provided. Collection method: literature only. Allele origin: germline. Not counted in ClinVar's aggregate classification.

Literature cited by the submitters: PubMed 8088850 (cited by Labcorp Genetics (formerly Invitae), Labcorp and OMIM); PubMed 9810568 (cited by Labcorp Genetics (formerly Invitae), Labcorp); PubMed 19913029 (cited by Labcorp Genetics (formerly Invitae), Labcorp); PubMed 30240733 (cited by Labcorp Genetics (formerly Invitae), Labcorp).